The following is an entry in ClinVar:

ClinVar aggregate classification (germline): Pathogenic/Likely pathogenic. Review status: criteria provided, multiple submitters, no conflicts (2 of 4 stars). 3 submissions from 3 submitters: Pathogenic (2); Likely pathogenic (1). Last evaluated 2024-05-20.

Conditions:
Maple syrup urine disease (MSUD). Identifiers: Orphanet 511, MedGen C0024776, MeSH D008375, MONDO:0009563. Disease mechanism: loss of function.
Maple syrup urine disease type 2 (MSUD2). Also called: Maple syrup urine disease, type II. Identifiers: MedGen C1855371, MONDO:0023693, OMIM 620699.

Submissions (3):

Labcorp Genetics (formerly Invitae), Labcorp
Classification: Pathogenic for Maple syrup urine disease. Last evaluated: 2024-05-20. Review status: criteria provided, single submitter. Criteria: Invitae Variant Classification Sherloc (09022015). Collection method: clinical testing. Allele origin: germline.
Comment: This sequence change creates a premature translational stop signal (p.Gln94*) in the DBT gene. It is expected to result in an absent or disrupted protein product. Loss-of-function variants in DBT are known to be pathogenic (PMID: 16579849, 16786533). This variant is not present in population databases (gnomAD no frequency). This variant has not been reported in the literature in individuals affected with DBT-related conditions. For these reasons, this variant has been classified as Pathogenic.

Fulgent Genetics
Classification: Likely pathogenic for Maple syrup urine disease type 2. Last evaluated: 2024-04-11. Review status: criteria provided, single submitter. Criteria: ACMG Guidelines, 2015. Collection method: clinical testing. Allele origin: germline.

Myriad Genetics, Inc.
Classification: Pathogenic for Maple syrup urine disease type 2. Last evaluated: 2023-10-23. Review status: criteria provided, single submitter. Criteria: Myriad Autosomal Dominant, Autosomal Recessive and X-Linked Classification Criteria (2023). Collection method: clinical testing. Allele origin: unknown.
Comment: NM_001918.3(DBT):c.280C>T(Q94*) is expected to be pathogenic in the context of maple syrup urine disease type II. This variant is predicted to lead to an abnormal or absent protein product due to the creation of a premature termination codon in DBT, a gene where loss-of-function variants are known to be pathogenic. Please note: this variant was assessed in the context of healthy population screening.

Literature cited by the submitters: PubMed 16579849 (cited by Labcorp Genetics (formerly Invitae), Labcorp); PubMed 16786533 (cited by Labcorp Genetics (formerly Invitae), Labcorp).

NM_001918.5(DBT):c.280C>T (p.Gln94Ter)

Gene: DBT (dihydrolipoamide branched chain transacylase E2; minus strand). Cytogenetic location: 1p21.2.
Variant type: single nucleotide variant.
Coding change: c.280C>T on transcript NM_001918.5 (MANE Select); coding-DNA position 280, C replaced by T.
Protein change: p.Gln94Ter; replaces glutamine 94 with a stop codon.
Molecular consequence: nonsense. On other transcripts: 5 prime UTR variant (2), non-coding transcript variant (3).
Genome position (GRCh38, 1-based): chr1:100,230,886, G>A on the plus strand (C>T on the coding strand, the complement: DBT is on the minus strand). VCF-style: chr1-100230886-G-A. GRCh37 (hg19) VCF-style: chr1-100696442-G-A.
Other names: c.-264C>T (NM_001399969.1, NM_001399972.1); short protein forms Q94*.
Identifiers: ClinVar variation 2822401 (VCV002822401.5), dbSNP rs2524217135, ClinGen allele CA341344457.
Genomic context (GRCh38, chr1:100,230,886, plus strand): 5'-AACGACTAGTGATGGTAACAGAAGCTTTATCACTTTGAACTTCACAGATGCTATCAAACT[G>A]AGACACTGTATCTCCTTCTTTTACATACCTAAAAGAAAAAGAAATGAGACACTTTTATGG-3'